The following is an entry in ClinVar:

ClinVar aggregate classification (germline): Uncertain significance (1 of 4 stars; one submission).

Conditions:
Chédiak-Higashi syndrome (CHS). Also called: Chediak-Higashi Syndrome. Identifiers: Orphanet 167, MedGen C0007965, MONDO:0008963, OMIM 214500.

Submission:

Labcorp Genetics (formerly Invitae), Labcorp
Classification: Uncertain significance for Chédiak-Higashi syndrome. Last evaluated: 2022-09-14. Review status: criteria provided, single submitter. Criteria: Invitae Variant Classification Sherloc (09022015). Collection method: clinical testing. Allele origin: germline.
Comment: In summary, the available evidence is currently insufficient to determine the role of this variant in disease. Therefore, it has been classified as a Variant of Uncertain Significance. Advanced modeling of protein sequence and biophysical properties (such as structural, functional, and spatial information, amino acid conservation, physicochemical variation, residue mobility, and thermodynamic stability) performed at Invitae indicates that this missense variant is expected to disrupt LYST protein function. This variant has not been reported in the literature in individuals affected with LYST-related conditions. This variant is not present in population databases (gnomAD no frequency). This sequence change replaces lysine, which is basic and polar, with asparagine, which is neutral and polar, at codon 525 of the LYST protein (p.Lys525Asn).

NM_000081.4(LYST):c.1575A>C (p.Lys525Asn)

Gene: LYST (lysosomal trafficking regulator; minus strand). Cytogenetic location: 1q42.3.
Variant type: single nucleotide variant.
Coding change: c.1575A>C on transcript NM_000081.4 (MANE Select); coding-DNA position 1575, A replaced by C.
Protein change: p.Lys525Asn; replaces lysine 525 with asparagine.
Molecular consequence: missense variant.
Genome position (GRCh38, 1-based): chr1:235,809,243, T>G on the plus strand (A>C on the coding strand, the complement: LYST is on the minus strand). VCF-style: chr1-235809243-T-G. GRCh37 (hg19) VCF-style: chr1-235972543-T-G.
Other names: c.1575A>C, p.Lys525Asn (NM_001301365.1); short protein forms K525N.
Identifiers: ClinVar variation 1719381 (VCV001719381.5), dbSNP rs2527113488, ClinGen allele CA344962099.